The following is an entry in ClinVar:

NM_001195248.2(APTX):c.54A>T (p.Arg18Ser)

Gene: APTX (aprataxin; minus strand). Cytogenetic location: 9p21.1.
Variant type: single nucleotide variant.
Coding change: c.54A>T on transcript NM_001195248.2 (MANE Select); coding-DNA position 54, A replaced by T.
Protein change: p.Arg18Ser; replaces arginine 18 with serine.
Molecular consequence: missense variant. On other transcripts: 5 prime UTR variant (8), non-coding transcript variant (13).
Genome position (GRCh38, 1-based): chr9:32,989,838, T>A on the plus strand (A>T on the coding strand, the complement: APTX is on the minus strand). VCF-style: chr9-32989838-T-A. GRCh37 (hg19) VCF-style: chr9-32989836-T-A.
Other names: c.54A>T, p.Arg18Ser (NM_001195249.2, NM_001195250.2, NM_001195251.2 and 11 more transcripts); c.-206A>T (NM_001369002.1, NM_001369003.1, NM_001369005.1 and 4 more transcripts); c.-164A>T (NM_001369004.1); short protein forms R18S.
Identifiers: ClinVar variation 3571764 (VCV003571764.1).
Genomic context (GRCh38, chr9:32,989,838, plus strand): 5'-CTTATCAGTGATCTTGGTCTCTGGGCCACGCCCAATCACAACTGCTTCCAAATGTGGAAG[T>A]CTGATTCGCTGGTGCCGGCTGTCCTGTCTCACCAACCAGCACACCCGCATCATCACTCTA-3'
Protein context (NP_001182177.2, residues 8-28): VRQDSRHQRI[Arg18Ser]LPHLEAVVIG

ClinVar aggregate classification (germline): Uncertain significance (1 of 4 stars; one submission).

gnomAD v4.1: 1 of 1,614,252 alleles (0.000062%); highest among the groups gnomAD compares: Non-Finnish European, 0.000085%; no homozygotes.

Submission:

Athena Diagnostics
Classification: Uncertain significance. Last evaluated: 2023-12-20. Review status: criteria provided, single submitter. Criteria: Athena Diagnostics Criteria. Collection method: clinical testing. Allele origin: unknown.
Comment: Available data are insufficient to determine the clinical significance of the variant at this time. This variant has not been reported in large, multi-ethnic general populations. Computational tools predict that this variant is not damaging. The variant is located in a region that is considered important for protein function and/or structure.